The following is an entry in ClinVar:

NC_000005.9:g.(?_156887143)_(156899968_?)del

Gene: NIPAL4 (NIPA like domain containing 4; plus strand). Cytogenetic location: 5q33.3.
Variant type: Deletion.
Identifiers: ClinVar variation 2423698 (VCV002423698.5).

ClinVar aggregate classification (germline): Pathogenic (1 of 4 stars; one submission).

Submission:

Labcorp Genetics (formerly Invitae), Labcorp
Classification: Pathogenic. Last evaluated: 2022-03-20. Review status: criteria provided, single submitter. Criteria: Invitae Variant Classification Sherloc (09022015). Collection method: clinical testing. Allele origin: germline.
Comment: For these reasons, this variant has been classified as Pathogenic. This variant has not been reported in the literature in individuals affected with NIPAL4-related conditions. A gross deletion of the genomic region encompassing the full coding sequence of the NIPAL4 gene has been identified. Loss-of-function variants in NIPAL4 are known to be pathogenic (PMID: 15317751, 17557927). The boundaries of this event are unknown as they extend beyond the assayed region for this gene and therefore may encompass additional genes.

Literature cited by the submitters: PubMed 15317751; PubMed 17557927.